The following is an entry in ClinVar:

NM_198578.4(LRRK2):c.3526A>G (p.Thr1176Ala)

Gene: LRRK2 (leucine rich repeat kinase 2; plus strand). Cytogenetic location: 12q12.
Variant type: single nucleotide variant.
Coding change: c.3526A>G on transcript NM_198578.4 (MANE Select); coding-DNA position 3526, A replaced by G.
Protein change: p.Thr1176Ala; replaces threonine 1176 with alanine.
Molecular consequence: missense variant.
Genome position (GRCh38, 1-based): chr12:40,302,818, A>G. VCF-style: chr12-40302818-A-G. GRCh37 (hg19) VCF-style: chr12-40696620-A-G.
Other names: short protein forms T1176A.
Identifiers: ClinVar variation 2608778 (VCV002608778.2), dbSNP rs2499774949, ClinGen allele CA384416360.

ClinVar aggregate classification (germline): Uncertain significance (1 of 4 stars; one submission).

Conditions:
Inborn genetic diseases. Identifiers: MedGen C0950123, MeSH D030342.

Submission:

Ambry Genetics
Classification: Uncertain significance for Inborn genetic diseases. Last evaluated: 2023-07-13. Review status: criteria provided, single submitter. Criteria: Ambry Variant Classification Scheme 2023. Collection method: clinical testing. Allele origin: germline.
Comment: The p.T1176A variant (also known as c.3526A>G), located in coding exon 26 of the LRRK2 gene, results from an A to G substitution at nucleotide position 3526. The threonine at codon 1176 is replaced by alanine, an amino acid with similar properties. This amino acid position is conserved. In addition, the in silico prediction for this alteration is inconclusive. Since supporting evidence is limited at this time, the clinical significance of this alteration remains unclear.